The following is an entry in ClinVar:

ClinVar aggregate classification (germline): Uncertain significance (1 of 4 stars; one submission).

Conditions:
Inborn genetic diseases. Identifiers: MedGen C0950123, MeSH D030342.

gnomAD v4.1: 2 of 1,607,780 alleles (0.00012%); highest among the groups gnomAD compares: African/African-American, 0.0027%; no homozygotes.

Submission:

Ambry Genetics
Classification: Uncertain significance for Inborn genetic diseases. Last evaluated: 2024-09-25. Review status: criteria provided, single submitter. Criteria: Ambry Variant Classification Scheme 2023. Collection method: clinical testing. Allele origin: germline.
Comment: The c.676-1G>C intronic variant results from a G to C substitution one nucleotide before coding exon 3 of the TTC19 gene. Alterations that disrupt the canonical splice site are expected to result in aberrant splicing. The resulting transcript is predicted to be in-frame and is not expected to trigger nonsense-mediated mRNA decay. The exact functional effect of the altered amino acid sequence is unknown. Based on data from gnomAD, the C allele has an overall frequency of 0.006% (2/31390) total alleles studied. The highest observed frequency was 0.023% (2/8710) of African/African American alleles. This nucleotide position is highly conserved in available vertebrate species. RNA studies have demonstrated that this alteration results in a splice defect; the clinical impact of this abnormal splicing is unknown at this time (Ambry internal data). In silico splice site analysis predicts that this alteration will weaken the native splice acceptor site and will result in the creation or strengthening of a novel splice acceptor site. Based on insufficient or conflicting evidence, the clinical significance of this alteration remains unclear.

NM_017775.4(TTC19):c.313-1G>C

Gene: TTC19 (tetratricopeptide repeat domain 19; plus strand). Cytogenetic location: 17p12.
Variant type: single nucleotide variant.
Coding change: c.313-1G>C on transcript NM_017775.4 (MANE Select); the canonical splice acceptor site of the intron before coding-DNA position 313, G replaced by C.
Molecular consequence: splice acceptor variant.
Genome position (GRCh38, 1-based): chr17:16,001,914, G>C. VCF-style: chr17-16001914-G-C. GRCh37 (hg19) VCF-style: chr17-15905228-G-C.
Other names: c.-9-1G>C (NM_001271420.2).
Identifiers: ClinVar variation 3329788 (VCV003329788.2).